The following is an entry in ClinVar:

NM_001378454.1(ALMS1):c.5251_5259del (p.Leu1751_Thr1753del)

Gene: ALMS1 (ALMS1 centrosome and basal body associated protein; plus strand). Cytogenetic location: 2p13.1.
Variant type: Deletion.
Coding change: c.5251_5259del on transcript NM_001378454.1 (MANE Select); coding-DNA positions 5251 to 5259, 9 bases deleted (TTATCTACT; older notation c.5251_5259delTTATCTACT).
Protein change: p.Leu1751_Thr1753del.
Molecular consequence: inframe deletion.
Genome position (GRCh38, 1-based): chr2:73,451,778-73,451,786, TTATCTACT deleted. VCF-style (leftmost placement, unchanged base first): chr2-73451777-GTTATCTACT-G. GRCh37 (hg19) VCF-style: chr2-73678904-GTTATCTACT-G.
Other names: c.5254_5262del9 (NM_015120.4); c.5254_5262del, p.Leu1752_Thr1754del (NM_015120.4).
Identifiers: ClinVar variation 4989048 (VCV004989048.1).

ClinVar aggregate classification (germline): Uncertain significance (1 of 4 stars; one submission).

Conditions:
ALMS1-related disorder. Also called: ALMS1-related condition.

Submission:

PreventionGenetics, part of Exact Sciences
Classification: Uncertain significance for ALMS1-related condition. Last evaluated: 2026-03-05. Review status: criteria provided, single submitter. Criteria: ACMG Guidelines, 2015. Collection method: clinical testing. Allele origin: germline.
Comment: The ALMS1 c.5254_5262del9 variant is predicted to result in an in-frame deletion (p.Thr1752_Thr1754del). To our knowledge, this variant has not been reported in the literature or in a large population database (gnomAD), indicating this variant is rare. At this time, the clinical significance of this variant is uncertain due to the absence of conclusive functional and genetic evidence.